The following is an entry in ClinVar:

NM_007194.4(CHEK2):c.1609G>A (p.Ala537Thr)

Gene: CHEK2 (checkpoint kinase 2; minus strand). Cytogenetic location: 22q12.1.
Variant type: single nucleotide variant.
Coding change: c.1609G>A on transcript NM_007194.4 (MANE Select); coding-DNA position 1609, G replaced by A.
Protein change: p.Ala537Thr; replaces alanine 537 with threonine.
Molecular consequence: missense variant.
Genome position (GRCh38, 1-based): chr22:28,687,920, C>T on the plus strand (G>A on the coding strand, the complement: CHEK2 is on the minus strand). VCF-style: chr22-28687920-C-T. GRCh37 (hg19) VCF-style: chr22-29083908-C-T.
Other names: c.1738G>A, p.Ala580Thr (NM_001005735.3); c.946G>A, p.Ala316Thr (NM_001257387.3); c.1408G>A, p.Ala470Thr (NM_001349956.3); c.1522G>A, p.Ala508Thr (NM_145862.3); short protein forms A537T, A316T, A470T, A508T, A580T.
Identifiers: ClinVar variation 1410892 (VCV001410892.7), dbSNP rs1175957439, ClinGen allele CA411091022.

ClinVar aggregate classification (germline): Uncertain significance. Review status: criteria provided, multiple submitters, no conflicts (2 of 4 stars). 2 submissions from 2 submitters: Uncertain significance (2). Last evaluated 2024-11-02.

Conditions:
Hereditary cancer-predisposing syndrome. Also called: Hereditary Cancer Syndrome; Tumor predisposition; Hereditary neoplastic syndrome; Neoplastic Syndromes, Hereditary. Identifiers: Orphanet 140162, MedGen C0027672, MeSH D009386, MONDO:0015356.
Familial cancer of breast. Also called: hereditary breast carcinoma; Hereditary breast cancer; BREAST CANCER, FAMILIAL. Identifiers: Orphanet 227535, MedGen C0346153, MONDO:0016419, OMIM 114480. Disease mechanism: loss of function.

Allele frequency attached by ClinVar (database versions not stated): TOPMed below 0.00001; gnomAD 0.00001.
gnomAD v4.1: 1 of 1,596,284 alleles (0.000063%); highest among the groups gnomAD compares: African/African-American, 0.0013%; no homozygotes.

Submissions (2):

Labcorp Genetics (formerly Invitae), Labcorp
Classification: Uncertain significance for Familial cancer of breast. Last evaluated: 2024-11-02. Review status: criteria provided, single submitter. Criteria: Invitae Variant Classification Sherloc (09022015). Collection method: clinical testing. Allele origin: germline.
Comment: This sequence change replaces alanine, which is neutral and non-polar, with threonine, which is neutral and polar, at codon 537 of the CHEK2 protein (p.Ala537Thr). This variant is not present in population databases (gnomAD no frequency). This variant has not been reported in the literature in individuals affected with CHEK2-related conditions. ClinVar contains an entry for this variant (Variation ID: 1410892). An algorithm developed to predict the effect of missense changes on protein structure and function outputs the following: PolyPhen-2: "Benign". The threonine amino acid residue is found in multiple mammalian species, which suggests that this missense change does not adversely affect protein function. In summary, the available evidence is currently insufficient to determine the role of this variant in disease. Therefore, it has been classified as a Variant of Uncertain Significance.

Ambry Genetics
Classification: Uncertain significance for Hereditary cancer-predisposing syndrome. Last evaluated: 2023-07-13. Review status: criteria provided, single submitter. Criteria: Ambry Variant Classification Scheme 2023. Collection method: clinical testing. Allele origin: germline.
Comment: The p.A537T variant (also known as c.1609G>A), located in coding exon 14 of the CHEK2 gene, results from a G to A substitution at nucleotide position 1609. The alanine at codon 537 is replaced by threonine, an amino acid with similar properties. This amino acid position is conserved. In addition, this alteration is predicted to be tolerated by in silico analysis. Since supporting evidence is limited at this time, the clinical significance of this alteration remains unclear.